The following is an entry in ClinVar:

NM_033409.4(SLC52A3):c.106G>A (p.Glu36Lys)

Gene: SLC52A3 (solute carrier family 52 member 3; minus strand). Cytogenetic location: 20p13.
Variant type: single nucleotide variant.
Coding change: c.106G>A on transcript NM_033409.4 (MANE Select); coding-DNA position 106, G replaced by A.
Protein change: p.Glu36Lys; replaces glutamic acid 36 with lysine.
Molecular consequence: missense variant.
Genome position (GRCh38, 1-based): chr20:765,669, C>T on the plus strand (G>A on the coding strand, the complement: SLC52A3 is on the minus strand). VCF-style: chr20-765669-C-T. GRCh37 (hg19) VCF-style: chr20-746313-C-T.
Other names: c.106G>A, p.Glu36Lys (NM_001370085.1, NM_001370086.1); short protein forms E36K.
Identifiers: ClinVar variation 143 (VCV000000143.15), dbSNP rs267606686, ClinGen allele CA339796.
Genomic context (GRCh38, chr20:765,669, plus strand): 5'-GGGGCCCGATGTTGGCCAGCTGGATGACCACCGTGAGGTAGGAGGGCAGGTACCAGCCCT[C>T]GGGCAGCTCCATCACCAGCAGGGGCAGCTCTACCCAGAGCCCATTGATGGTCACCCAGGA-3'
Protein context (NP_212134.3, residues 26-46): ELPLLVMELP[Glu36Lys]GWYLPSYLTV

ClinVar aggregate classification (germline): Conflicting classifications of pathogenicity. Review status: criteria provided, conflicting classifications (1 of 4 stars). 5 submissions from 5 submitters: Pathogenic (1); Likely pathogenic (1); Uncertain significance (1). 2 of the submissions do not count toward it. Last evaluated 2026-08-27.

Conditions:
Brown-Vialetto-van Laere syndrome 1. Also called: BROWN-VIALETTO-VAN LAERE SYNDROME 1, MILD; BULBAR PALSY, PROGRESSIVE, WITH SENSORINEURAL DEAFNESS; PONTOBULBAR PALSY WITH DEAFNESS. Identifiers: Orphanet 572550, Orphanet 97229, MedGen C0796274, MONDO:0024537, OMIM 211530.
Progressive bulbar palsy of childhood. Also called: Childhood Progressive Bulbar Palsy; FAZIO-LONDE DISEASE. Identifiers: MedGen C0393540, MONDO:0100428, OMIM 211500.

Allele frequency attached by ClinVar (database versions not stated): gnomAD exomes 0.00002 and 0.00003; gnomAD 0.00001; ExAC 0.00003.

Submissions (5):

GeneDx
Classification: Likely pathogenic. Last evaluated: 2026-08-27. Review status: criteria provided, single submitter. Criteria: GeneDx Variant Classification Process June 2021. Collection method: clinical testing. Allele origin: germline.
Comment: Published functional studies demonstrate reduced riboflavin uptake (PMID: 22273710); In silico analysis supports that this missense variant has a deleterious effect on protein structure/function; Not observed at significant frequency in large population cohorts (gnomAD); This variant is associated with the following publications: (PMID: 26072523, 20206331, 29950502, 23107375, 23506902, 29053833, 34662687, 23688382, 22273710)

Labcorp Genetics (formerly Invitae), Labcorp
Classification: Uncertain significance for Brown-Vialetto-van Laere syndrome 1. Last evaluated: 2023-12-21. Review status: criteria provided, single submitter. Criteria: Invitae Variant Classification Sherloc (09022015). Collection method: clinical testing. Allele origin: germline.
Comment: This sequence change replaces glutamic acid, which is acidic and polar, with lysine, which is basic and polar, at codon 36 of the SLC52A3 protein (p.Glu36Lys). This variant is present in population databases (rs267606686, gnomAD 0.003%). This missense change has been observed in individual(s) with Brown-Vialetto-Van Laere syndrome (BVVLS) (PMID: 20206331, 23688382, 29053833, 29950502). ClinVar contains an entry for this variant (Variation ID: 143). Advanced modeling of protein sequence and biophysical properties (such as structural, functional, and spatial information, amino acid conservation, physicochemical variation, residue mobility, and thermodynamic stability) performed at Invitae indicates that this missense variant is expected to disrupt SLC52A3 protein function with a positive predictive value of 80%. Experimental studies have shown that this missense change affects SLC52A3 function (PMID: 22273710). In summary, the available evidence is currently insufficient to determine the role of this variant in disease. Therefore, it has been classified as a Variant of Uncertain Significance.

Mendelics
Classification: Pathogenic for Progressive bulbar palsy of childhood. Last evaluated: 2022-05-04. Review status: criteria provided, single submitter. Criteria: Mendelics Assertion Criteria 2019. Collection method: clinical testing. Allele origin: germline.

OMIM
Classification: Pathogenic for BROWN-VIALETTO-VAN LAERE SYNDROME 1, MILD. Last evaluated: 2010-03-12. Review status: no assertion criteria provided. Collection method: literature only. Allele origin: germline. Not counted in ClinVar's aggregate classification.

GeneReviews
No classification provided. Condition: Brown-Vialetto-van Laere syndrome 1. Review status: no classification provided. Collection method: literature only. Allele origin: germline. Affected: yes. Not counted in ClinVar's aggregate classification.

Literature cited by the submitters: PubMed 20206331 (cited by 3 submitters); PubMed 23688382 (cited by Labcorp Genetics (formerly Invitae), Labcorp); PubMed 29053833 (cited by Labcorp Genetics (formerly Invitae), Labcorp); PubMed 29950502 (cited by Labcorp Genetics (formerly Invitae), Labcorp); PubMed 22273710 (cited by Labcorp Genetics (formerly Invitae), Labcorp); NCBI Bookshelf NBK299312 (cited by GeneReviews).